The following is an entry in ClinVar:

ClinVar aggregate classification (germline): Likely pathogenic (1 of 4 stars; one submission).

Submission:

GeneDx
Classification: Likely pathogenic. Last evaluated: 2017-10-27. Review status: criteria provided, single submitter. Criteria: GeneDx Variant Classification (06012015). Collection method: clinical testing. Allele origin: germline. Affected: yes.
Comment: The c.5361_5432del72 variant in the CREBBP gene has not been reported previously as a pathogenic variant nor as a benign variant, to our knowledge. This variant causes an in-frame deletion of 24 amino acids, denoted p.Asn1787_Arg1810del. All 24 deleted amino acids are conserved across species, and in silico analysis predicts this deletion is probably damaging to the protein structure/function. The c.5361_5432del72 variant is not observed in large population cohorts (Lek et al., 2016). We interpret c.5361_5432del72 as a likely pathogenic variant.

NM_004380.3(CREBBP):c.5361_5432del (p.Asn1787_Arg1810del)

Gene: CREBBP (CREB binding protein; minus strand). Cytogenetic location: 16p13.3.
Variant type: Deletion.
Coding change: c.5361_5432del on transcript NM_004380.3 (MANE Select); coding-DNA positions 5361 to 5432, 72 bases deleted.
Protein change: p.Asn1787_Arg1810del.
Molecular consequence: inframe deletion.
Genome position (GRCh38, 1-based): chr16:3,729,615-3,729,686, 72 bases deleted. GRCh37 (hg19): chr16:3,779,621-3,779,692.
Other names: c.5361_5432delCGCCAACTGCTCGCTGCCATCCTGCCAGAAGATGAAGCGGGTGGTGCAGCACACCAAGGGCTGCAAACGCAA (NM_004380.2); c.5247_5318del, p.Asn1749_Arg1772del (NM_001079846.1); c.5361_5432del72 (NM_004380.2).
Identifiers: ClinVar variation 452957 (VCV000452957.2), dbSNP rs1555471385, ClinGen allele CA658658387.